The following is an entry in ClinVar:

NM_001385641.1(SAMD11):c.2009T>A (p.Leu670Gln)

Gene: SAMD11 (sterile alpha motif domain containing 11; plus strand). Cytogenetic location: 1p36.33.
Variant type: single nucleotide variant.
Coding change: c.2009T>A on transcript NM_001385641.1 (MANE Select); coding-DNA position 2009, T replaced by A.
Protein change: p.Leu670Gln; replaces leucine 670 with glutamine.
Molecular consequence: missense variant.
Genome position (GRCh38, 1-based): chr1:943,014, T>A. VCF-style: chr1-943014-T-A. GRCh37 (hg19) VCF-style: chr1-878394-T-A.
Other names: c.2012T>A, p.Leu671Gln (NM_001385640.1); c.1520T>A, p.Leu507Gln (NM_152486.4); short protein forms L507Q, L670Q, L671Q.
Identifiers: ClinVar variation 2127424 (VCV002127424.4), dbSNP rs2522717494, ClinGen allele CA337813225.
Genomic context (GRCh38, chr1:943,014, plus strand): 5'-GCCAAGCTCCAGCTGGAGGGGCCGGCGCCGAGGGGAAGGGGCTTTTCCCAGGGTCCACAC[T>A]GCCCCTGGGCTTCCCTTATGCCGTCAGCCCCTACTTCCACACAGGTGGGCACCCCCACAC-3'
Protein context (NP_001372570.1, residues 660-680): EGKGLFPGST[Leu670Gln]PLGFPYAVSP

ClinVar aggregate classification (germline): Uncertain significance (1 of 4 stars; one submission).

Submission:

Labcorp Genetics (formerly Invitae), Labcorp
Classification: Uncertain significance. Last evaluated: 2022-09-19. Review status: criteria provided, single submitter. Criteria: Invitae Variant Classification Sherloc (09022015). Collection method: clinical testing. Allele origin: germline.
Comment: This sequence change replaces leucine, which is neutral and non-polar, with glutamine, which is neutral and polar, at codon 507 of the SAMD11 protein (p.Leu507Gln). In summary, the available evidence is currently insufficient to determine the role of this variant in disease. Therefore, it has been classified as a Variant of Uncertain Significance. Algorithms developed to predict the effect of missense changes on protein structure and function (SIFT, PolyPhen-2, Align-GVGD) all suggest that this variant is likely to be disruptive. This variant has not been reported in the literature in individuals affected with SAMD11-related conditions. This variant is not present in population databases (gnomAD no frequency).